The following is an entry in ClinVar:

NM_017841.4(SDHAF2):c.247_249del (p.Cys83del)

Gene: SDHAF2 (succinate dehydrogenase complex assembly factor 2; plus strand). Cytogenetic location: 11q12.2.
Variant type: Deletion.
Coding change: c.247_249del on transcript NM_017841.4 (MANE Select); coding-DNA positions 247 to 249, 3 bases deleted (TGC; older notation c.247_249delTGC).
Protein change: p.Cys83del; deletes cysteine 83.
Molecular consequence: inframe deletion.
Genome position (GRCh38, 1-based): chr11:61,437,835-61,437,837, TGC deleted; deleting any 3 consecutive bases within chr11:61,437,834-61,437,837 gives the same sequence; the c. name uses the placement nearest the transcript's 3' end. VCF-style (leftmost placement, unchanged base first): chr11-61437833-ACTG-A. GRCh37 (hg19) VCF-style: chr11-61205305-ACTG-A.
Other names: short protein forms C83del.
Identifiers: ClinVar variation 4735289 (VCV004735289.1).

ClinVar aggregate classification (germline): Uncertain significance (1 of 4 stars; one submission).

Conditions:
Hereditary pheochromocytoma and paraganglioma. Also called: Hereditary pheochromocytoma-paraganglioma; Hereditary Paraganglioma-Pheochromocytoma Syndromes; Hereditary paragangliomas and pheochromocytomas. Identifiers: Orphanet 29072, MedGen C4274332, MONDO:0017366.

Submission:

Labcorp Genetics (formerly Invitae), Labcorp
Classification: Uncertain significance for Hereditary pheochromocytoma and paraganglioma. Last evaluated: 2026-01-13. Review status: criteria provided, single submitter. Criteria: Invitae Variant Classification Sherloc (09022015). Collection method: clinical testing. Allele origin: germline.
Comment: This variant, c.247_249del, results in the deletion of 1 amino acid(s) of the SDHAF2 protein (p.Cys83del), but otherwise preserves the integrity of the reading frame. This variant is not present in population databases (gnomAD no frequency). This variant has not been reported in the literature in individuals affected with SDHAF2-related conditions. Experimental studies and prediction algorithms are not available or were not evaluated, and the functional significance of this variant is currently unknown. In summary, the available evidence is currently insufficient to determine the role of this variant in disease. Therefore, it has been classified as a Variant of Uncertain Significance.